The following is an entry in ClinVar:

ClinVar aggregate classification (germline): Uncertain significance (1 of 4 stars; one submission).

Conditions:
Wilson-Turner syndrome (WTS). Also called: MENTAL RETARDATION, X-LINKED, SYNDROMIC 6; INTELLECTUAL DEVELOPMENTAL DISORDER, X-LINKED, SYNDROMIC, WILSON-TURNER TYPE. Identifiers: Orphanet 3459, MedGen C1839736, MONDO:0010665, OMIM 309585.

Submission:

Labcorp Genetics (formerly Invitae), Labcorp
Classification: Uncertain significance for Wilson-Turner syndrome. Last evaluated: 2025-01-31. Review status: criteria provided, single submitter. Criteria: Invitae Variant Classification Sherloc (09022015). Collection method: clinical testing. Allele origin: germline.
Comment: This sequence change replaces asparagine, which is neutral and polar, with tyrosine, which is neutral and polar, at codon 216 of the LAS1L protein (p.Asn216Tyr). This variant is not present in population databases (gnomAD no frequency). This variant has not been reported in the literature in individuals affected with LAS1L-related conditions. Invitae Evidence Modeling of protein sequence and biophysical properties (such as structural, functional, and spatial information, amino acid conservation, physicochemical variation, residue mobility, and thermodynamic stability) indicates that this missense variant is not expected to disrupt LAS1L protein function with a negative predictive value of 80%. In summary, the available evidence is currently insufficient to determine the role of this variant in disease. Therefore, it has been classified as a Variant of Uncertain Significance.

NM_031206.7(LAS1L):c.646A>T (p.Asn216Tyr)

Gene: LAS1L (LAS1 like ribosome biogenesis factor; minus strand). Cytogenetic location: Xq12.
Variant type: single nucleotide variant.
Coding change: c.646A>T on transcript NM_031206.7 (MANE Select); coding-DNA position 646, A replaced by T.
Protein change: p.Asn216Tyr; replaces asparagine 216 with tyrosine.
Molecular consequence: missense variant. On other transcripts: 5 prime UTR variant (1), non-coding transcript variant (3).
Genome position (GRCh38, 1-based): chrX:65,529,747, T>A on the plus strand (A>T on the coding strand, the complement: LAS1L is on the minus strand). VCF-style: chrX-65529747-T-A. GRCh37 (hg19) VCF-style: chrX-64749627-T-A.
Other names: c.646A>T, p.Asn216Tyr (NM_001170649.2, NM_001375328.1, NM_001375329.1 and 10 more transcripts); c.520A>T, p.Asn174Tyr (NM_001170650.2); c.-151A>T (NM_001375332.1); short protein forms N174Y, N216Y.
Identifiers: ClinVar variation 4750112 (VCV004750112.1).